The following is an entry in ClinVar:

NM_147127.5(EVC2):c.450+292G>C

Gene: EVC2 (EvC ciliary complex subunit 2; minus strand). Cytogenetic location: 4p16.2.
Variant type: single nucleotide variant.
Coding change: c.450+292G>C on transcript NM_147127.5 (MANE Select); 292 bases into the intron after coding-DNA position 450, G replaced by C.
Molecular consequence: intron variant.
Genome position (GRCh38, 1-based): chr4:5,694,043, C>G on the plus strand (G>C on the coding strand, the complement: EVC2 is on the minus strand). VCF-style: chr4-5694043-C-G. GRCh37 (hg19) VCF-style: chr4-5695770-C-G.
Other names: c.210+292G>C (NM_001166136.2).
Identifiers: ClinVar variation 667844 (VCV000667844.1), dbSNP rs6810418, ClinGen allele CA11715283.

ClinVar aggregate classification (germline): Benign (1 of 4 stars; one submission).

Allele frequency attached by ClinVar (database versions not stated): 1000 Genomes Project 30x 0.92239; 1000 Genomes Project 0.92632; gnomAD 0.92971 and 0.93272; TOPMed 0.92985.
gnomAD v4.1: 141,628 of 152,292 alleles (93%); highest among the groups gnomAD compares: African/African-American, 97%; 65,986 homozygotes.

Submission:

GeneDx
Classification: Benign. Last evaluated: 2018-06-14. Review status: criteria provided, single submitter. Criteria: GeneDx Variant Classification (06012015). Collection method: clinical testing. Allele origin: germline. Affected: yes.
Comment: This variant is considered likely benign or benign based on one or more of the following criteria: it is a conservative change, it occurs at a poorly conserved position in the protein, it is predicted to be benign by multiple in silico algorithms, and/or has population frequency not consistent with disease.